The following is an entry in ClinVar:

NM_001350605.2(SRSF11):c.718+9T>G

Gene: SRSF11 (serine and arginine rich splicing factor 11; plus strand). Cytogenetic location: 1p31.1.
Variant type: single nucleotide variant.
Coding change: c.718+9T>G on transcript NM_001350605.2 (MANE Select); 9 bases into the intron after coding-DNA position 718, T replaced by G.
Molecular consequence: intron variant.
Genome position (GRCh38, 1-based): chr1:70,237,561, T>G. VCF-style: chr1-70237561-T-G. GRCh37 (hg19) VCF-style: chr1-70703244-T-G.
Other names: c.718+9T>G (NM_001350608.2, NM_004768.5, NM_001350607.2 and 8 more transcripts); c.751+9T>G (NM_001394402.1, NM_001394403.1); c.148+9T>G (NM_001350615.2, NM_001350612.2, NM_001350614.2 and 4 more transcripts).
Identifiers: ClinVar variation 4999814 (VCV004999814.1).
Genomic context (GRCh38, chr1:70,237,561, plus strand): 5'-ATGAAAAGAGTACGAGAAGCACAGTCCCTAATTTCTGCTGCTATAGAACCAGGTAAACAA[T>G]GTTTATGCAATTTTGTTGTGTGATTCTTAGCAAAAATGATTTTGACATAAATGTGGAATT-3'

ClinVar aggregate classification (germline): Uncertain significance (1 of 4 stars; one submission).

Conditions:
SRSF11-related disorder. Also called: SRSF11-related condition.

gnomAD v4.1: 1 of 1,606,180 alleles (0.000062%); highest among the groups gnomAD compares: Non-Finnish European, 0.000085%; no homozygotes.

Submission:

PreventionGenetics, part of Exact Sciences
Classification: Uncertain significance for SRSF11-related condition. Last evaluated: 2024-11-02. Review status: criteria provided, single submitter. Criteria: ACMG Guidelines, 2015. Collection method: clinical testing. Allele origin: germline.
Comment: The SRSF11 c.718+9T>G variant is predicted to interfere with splicing. This variant is predicted to alter splicing based on available splicing prediction programs (SpliceAI, Jaganathan et al. 2019. PubMed ID: 30661751). To our knowledge, this variant has not been reported in the literature or in a large population database (gnomAD), indicating this variant is rare. At this time, the clinical significance of this variant is uncertain due to the absence of conclusive functional and genetic evidence.